The following is an entry in ClinVar:

ClinVar aggregate classification (germline): Uncertain significance (1 of 4 stars; one submission).

Allele frequency attached by ClinVar (database versions not stated): TOPMed below 0.00001.

Submission:

GeneDx
Classification: Uncertain significance. Last evaluated: 2022-09-15. Review status: criteria provided, single submitter. Criteria: GeneDx Variant Classification Process June 2021. Collection method: clinical testing. Allele origin: germline. Affected: yes.
Comment: Not observed at significant frequency in large population cohorts (gnomAD); In silico analysis supports that this missense variant has a deleterious effect on protein structure/function; Has not been previously published as pathogenic or benign to our knowledge

NM_017780.4(CHD7):c.7526T>A (p.Met2509Lys)

Gene: CHD7 (chromodomain helicase DNA binding protein 7; plus strand). Cytogenetic location: 8q12.2.
Variant type: single nucleotide variant.
Coding change: c.7526T>A on transcript NM_017780.4 (MANE Select); coding-DNA position 7526, T replaced by A.
Protein change: p.Met2509Lys; replaces methionine 2509 with lysine.
Molecular consequence: missense variant. On other transcripts: intron variant (1).
Genome position (GRCh38, 1-based): chr8:60,856,806, T>A. VCF-style: chr8-60856806-T-A. GRCh37 (hg19) VCF-style: chr8-61769365-T-A.
Other names: c.1717-5423T>A (NM_001316690.1); short protein forms M2509K.
Identifiers: ClinVar variation 2444754 (VCV002444754.1), dbSNP rs1805738712, ClinGen allele CA371302242.